The following is an entry in ClinVar:

NM_002485.5(NBN):c.696C>T (p.Ala232=)

Gene: NBN (nibrin; minus strand). Cytogenetic location: 8q21.3.
Variant type: single nucleotide variant.
Coding change: c.696C>T on transcript NM_002485.5 (MANE Select); coding-DNA position 696, C replaced by T.
Protein change: p.Ala232=; no amino-acid change (alanine 232 retained).
Molecular consequence: synonymous variant.
Genome position (GRCh38, 1-based): chr8:89,971,179, G>A on the plus strand (C>T on the coding strand, the complement: NBN is on the minus strand). VCF-style: chr8-89971179-G-A. GRCh37 (hg19) VCF-style: chr8-90983407-G-A.
Other names: c.450C>T, p.Ala150= (NM_001024688.3).
Identifiers: ClinVar variation 378235 (VCV000378235.24), dbSNP rs566091759, ClinGen allele CA4802911.
Genomic context (GRCh38, chr8:89,971,179, plus strand): 5'-GTATCCTAGTTTGTAATGTATTCTTTAGGAAAATTTAGCTTATAACATAATTACCTGTTT[G>A]GCATTCAAAAATATAAATGTTTTCCCTTTGAAGATTTGTTTTCTTTCCTGCCGTCCTGAC-3'
Protein context (NP_002476.2, residues 222-242): FKGKTFIFLN[Ala232=]KQHKKLSSAV

ClinVar aggregate classification (germline): Likely benign. Review status: criteria provided, multiple submitters, no conflicts (2 of 4 stars). 6 submissions from 6 submitters: Likely benign (5). 1 of the submissions does not count toward it. Last evaluated 2025-08-04.

Conditions:
Hereditary cancer-predisposing syndrome. Also called: Tumor predisposition; Neoplastic Syndromes, Hereditary; Hereditary neoplastic syndrome; Hereditary Cancer Syndrome. Identifiers: Orphanet 140162, MedGen C0027672, MeSH D009386, MONDO:0015356.
Microcephaly, normal intelligence and immunodeficiency (NBS). Also called: Microcephaly with normal intelligence immunodeficiency and lymphoreticular malignancies; Nonsyndromal microcephaly autosomal recessive with normal intelligence; Seemanova syndrome 2; Nijmegen breakage syndrome; BERLIN BREAKAGE SYNDROME; IMMUNODEFICIENCY, MICROCEPHALY, AND CHROMOSOMAL INSTABILITY. Identifiers: Orphanet 647, MedGen C0398791, MONDO:0009623, OMIM 251260.
NBN-related disorder. Also called: NBN-related condition.

Allele frequency attached by ClinVar (database versions not stated): gnomAD exomes 0.00001 and 0.00002; ExAC 0.00002; TOPMed 0.00004; 1000 Genomes Project 30x 0.00016; 1000 Genomes Project 0.00020; gnomAD 0.00001.
gnomAD v4.1: 15 of 1,611,972 alleles (0.00093%); highest among the groups gnomAD compares: Admixed American, 0.018%; no homozygotes.

Submissions (6):

Labcorp Genetics (formerly Invitae), Labcorp
Classification: Likely benign for Microcephaly, normal intelligence and immunodeficiency. Last evaluated: 2025-08-04. Review status: criteria provided, single submitter. Criteria: Invitae Variant Classification Sherloc (09022015). Collection method: clinical testing. Allele origin: germline.

Blueprint Genetics
Classification: Likely benign. Last evaluated: 2024-05-15. Review status: criteria provided, single submitter. Criteria: ACMG Guidelines, 2015. Collection method: clinical testing. Allele origin: germline.

Sema4
Classification: Likely benign for Hereditary cancer-predisposing syndrome. Last evaluated: 2022-03-14. Review status: criteria provided, single submitter. Criteria: Sema4 Curation Guidelines. Collection method: curation. Allele origin: germline.

GeneDx
Classification: Likely benign. Last evaluated: 2018-09-20. Review status: criteria provided, single submitter. Criteria: GeneDx Variant Classification Process June 2021. Collection method: clinical testing. Allele origin: germline. Affected: yes.

Ambry Genetics
Classification: Likely benign for Hereditary cancer-predisposing syndrome. Last evaluated: 2015-11-11. Review status: criteria provided, single submitter. Criteria: Ambry Variant Classification Scheme 2023. Collection method: clinical testing. Allele origin: germline.

PreventionGenetics, part of Exact Sciences
Classification: Likely benign for NBN-related condition. Last evaluated: 2019-12-18. Review status: no assertion criteria provided. Collection method: clinical testing. Allele origin: germline. Not counted in ClinVar's aggregate classification.
Comment: This variant is classified as likely benign based on ACMG/AMP sequence variant interpretation guidelines (Richards et al. 2015 PMID: 25741868, with internal and published modifications).